The following is an entry in ClinVar:

ClinVar aggregate classification (germline): Pathogenic/Likely pathogenic. Review status: criteria provided, multiple submitters, no conflicts (2 of 4 stars). 3 submissions from 3 submitters: Pathogenic (1); Likely pathogenic (1). 1 of the submissions does not count toward it. Last evaluated 2022-10-28.

Conditions:
BBS5-related disorder. Also called: BBS5-related condition.
Bardet-Biedl syndrome (BBS). Identifiers: Orphanet 110, MedGen C0752166, MONDO:0015229.
Bardet-Biedl syndrome 5 (BBS5). Identifiers: Orphanet 110, MedGen C3892039, MONDO:0014434, OMIM 615983.

Allele frequency attached by ClinVar (database versions not stated): gnomAD exomes below 0.00001.
gnomAD v4.1: 1 of 1,613,516 alleles (0.000062%); highest among the groups gnomAD compares: Non-Finnish European, 0.000085%; no homozygotes.

Submissions (3):

Women's Health and Genetics/Laboratory Corporation of America, LabCorp
Classification: Pathogenic for Bardet-Biedl syndrome. Last evaluated: 2022-10-28. Review status: criteria provided, single submitter. Criteria: LabCorp Variant Classification Summary - May 2015. Collection method: clinical testing. Allele origin: germline.
Comment: Variant summary: BBS5 c.522+3A>G alters a conserved nucleotide located close to a canonical splice site and therefore could affect mRNA splicing, leading to a significantly altered protein sequence. Several computational tools predict a significant impact on normal splicing: Three predict the variant abolishes/weakens a 5' splicing donor site. Experimental evidence supports these predictions, demonstrating this variant affects mRNA splicing (Li_2004). The variant was absent in 251280 control chromosomes (gnomAD). c.522+3A>G has been reported in the literature as a homozygous genotype in multiple individuals affected with Bardet-Biedl Syndrome, segregating with disease within families (example Li_2004, Webb_2009). These data indicate that the variant is very likely to be associated with disease. No clinical diagnostic laboratories have submitted clinical-significance assessments for this variant to ClinVar after 2014. Based on the evidence outlined above, the variant was classified as pathogenic.

Blueprint Genetics
Classification: Likely pathogenic for BBS5-related disorders. Last evaluated: 2020-05-19. Review status: criteria provided, single submitter. Criteria: ACMG Guidelines, 2015. Collection method: clinical testing. Allele origin: germline. Affected: yes. Observed: 1 variant allele.

OMIM
Classification: Pathogenic for BARDET-BIEDL SYNDROME 5. Last evaluated: 2004-05-14. Review status: no assertion criteria provided. Collection method: literature only. Allele origin: germline. Not counted in ClinVar's aggregate classification.

Literature cited by the submitters: PubMed 15137946 (cited by Women's Health and Genetics/Laboratory Corporation of America, LabCorp and OMIM); PubMed 19367329 (cited by Women's Health and Genetics/Laboratory Corporation of America, LabCorp).

NM_152384.3(BBS5):c.522+3A>G

Gene: BBS5 (Bardet-Biedl syndrome 5; plus strand). Cytogenetic location: 2q31.1.
Variant type: single nucleotide variant.
Coding change: c.522+3A>G on transcript NM_152384.3 (MANE Select); 3 bases into the intron after coding-DNA position 522, A replaced by G.
Molecular consequence: intron variant.
Genome position (GRCh38, 1-based): chr2:169,493,012, A>G. VCF-style: chr2-169493012-A-G. GRCh37 (hg19) VCF-style: chr2-170349522-A-G.
Other names: IVS6DS, A-G, +3.
Identifiers: ClinVar variation 6157 (VCV000006157.3), dbSNP rs587777828, ClinGen allele CA253783.